The following is an entry in ClinVar:

ClinVar aggregate classification (germline): Benign/Likely benign. Review status: criteria provided, multiple submitters, no conflicts (2 of 4 stars). 6 submissions from 5 submitters: Benign (3); Likely benign (2). 1 of the submissions does not count toward it. Last evaluated 2025-10-23.

Conditions:
Primary open angle glaucoma (POAG). Also called: OPTN-related open angle glaucoma. Identifiers: MedGen C0339573, MONDO:0100553, OMIM 137760.
Glaucoma 1, open angle, E. Identifiers: MedGen C1842026, MONDO:0007665.
Amyotrophic lateral sclerosis type 12 (ALS12). Also called: AMYOTROPHIC LATERAL SCLEROSIS 12 WITH OR WITHOUT FRONTOTEMPORAL DEMENTIA. Identifiers: Orphanet 803, MedGen C3150692, MONDO:0013264, OMIM 613435.
OPTN-related disorder. Also called: OPTN-related condition; OPTN-related disorders.

Allele frequency attached by ClinVar (database versions not stated): ESP Exome Variant Server 0.00015; gnomAD 0.00045; ExAC 0.00065; gnomAD exomes 0.00068; TOPMed 0.00081; 1000 Genomes Project 30x 0.00141; 1000 Genomes Project 0.00160.
gnomAD v4.1: 367 of 1,613,924 alleles (0.023%); highest among the groups gnomAD compares: East Asian, 0.67%; 4 homozygotes.

Submissions (6):

Labcorp Genetics (formerly Invitae), Labcorp
Classification: Benign for Primary open angle glaucoma; Glaucoma 1, open angle, E; Amyotrophic lateral sclerosis type 12. Last evaluated: 2025-10-23. Review status: criteria provided, single submitter. Criteria: Invitae Variant Classification Sherloc (09022015). Collection method: clinical testing. Allele origin: germline.

Mayo Clinic Laboratories, Mayo Clinic
Classification: Benign. Last evaluated: 2024-11-26. Review status: criteria provided, single submitter. Criteria: ACMG Guidelines, 2015. Collection method: clinical testing. Allele origin: germline. Observed: 1 variant allele.
Comment: BA1, BP4, BP7

Illumina Laboratory Services, Illumina
Classification: Likely benign for Amyotrophic lateral sclerosis type 12. Last evaluated: 2018-01-13. Review status: criteria provided, single submitter. Criteria: ICSL Variant Classification Criteria 13 December 2019. Collection method: clinical testing. Allele origin: germline.
Comment: This variant was observed in the ICSL laboratory as part of a predisposition screen in an ostensibly healthy population. It had not been previously curated by ICSL or reported in the Human Gene Mutation Database (HGMD: prior to June 1st, 2018), and was therefore a candidate for classification through an automated scoring system. Utilizing variant allele frequency, disease prevalence and penetrance estimates, and inheritance mode, an automated score was calculated to assess if this variant is too frequent to cause the disease. Based on the score and internal cut-off values, a variant classified as likely benign is not then subjected to further curation. The score for this variant resulted in a classification of likely benign for this disease.

Illumina Laboratory Services, Illumina
Classification: Benign for Primary open angle glaucoma. Last evaluated: 2018-01-13. Review status: criteria provided, single submitter. Criteria: ICSL Variant Classification Criteria 13 December 2019. Collection method: clinical testing. Allele origin: germline.
Comment: This variant was observed in the ICSL laboratory as part of a predisposition screen in an ostensibly healthy population. It had not been previously curated by ICSL or reported in the Human Gene Mutation Database (HGMD: prior to June 1st, 2018), and was therefore a candidate for classification through an automated scoring system. Utilizing variant allele frequency, disease prevalence and penetrance estimates, and inheritance mode, an automated score was calculated to assess if this variant is too frequent to cause the disease. Based on the score and internal cut-off values, a variant classified as benign is not then subjected to further curation. The score for this variant resulted in a classification of benign for this disease.

Breakthrough Genomics
Classification: Likely benign. Review status: criteria provided, single submitter. Criteria: ACMG Guidelines, 2015. Collection method: not provided. Allele origin: germline. Inheritance: Autosomal recessive inheritance. Affected: yes.

PreventionGenetics, part of Exact Sciences
Classification: Benign for OPTN-related condition. Last evaluated: 2019-09-10. Review status: no assertion criteria provided. Collection method: clinical testing. Allele origin: germline. Not counted in ClinVar's aggregate classification.
Comment: This variant is classified as benign based on ACMG/AMP sequence variant interpretation guidelines (Richards et al. 2015 PMID: 25741868, with internal and published modifications).

NM_001008212.2(OPTN):c.147C>T (p.Thr49=)

Genes: OPTN (optineurin; plus strand), LOC108903148 (10p13 OPTN distal Alu-mediated recombination region; plus strand). Cytogenetic location: 10p13.
Variant type: single nucleotide variant.
Coding change: c.147C>T on transcript NM_001008212.2 (MANE Select); coding-DNA position 147, C replaced by T.
Protein change: p.Thr49=; no amino-acid change (threonine 49 retained).
Molecular consequence: synonymous variant.
Genome position (GRCh38, 1-based): chr10:13,109,269, C>T. VCF-style: chr10-13109269-C-T. GRCh37 (hg19) VCF-style: chr10-13151269-C-T.
Other names: p.Thr49=; c.147C>T, p.Thr49= (NM_001008211.1, NM_001008213.1, NM_021980.4).
Identifiers: ClinVar variation 703912 (VCV000703912.60), dbSNP rs187734249, ClinGen allele CA5410520.